The following is an entry in ClinVar:

NM_130837.3(OPA1):c.1916G>T (p.Arg639Leu)

Gene: OPA1 (OPA1 mitochondrial dynamin like GTPase; plus strand). Cytogenetic location: 3q29.
Variant type: single nucleotide variant.
Coding change: c.1916G>T on transcript NM_130837.3 (MANE Select); coding-DNA position 1916, G replaced by T.
Protein change: p.Arg639Leu; replaces arginine 639 with leucine.
Molecular consequence: missense variant.
Genome position (GRCh38, 1-based): chr3:193,648,115, G>T. VCF-style: chr3-193648115-G-T. GRCh37 (hg19) VCF-style: chr3-193365904-G-T.
Other names: c.1382G>T, p.Arg461Leu (NM_001354663.2); c.1379G>T, p.Arg460Leu (NM_001354664.2); c.1751G>T, p.Arg584Leu (NM_015560.3); c.1643G>T, p.Arg548Leu (NM_130831.3); c.1697G>T, p.Arg566Leu (NM_130832.3); c.1754G>T, p.Arg585Leu (NM_130833.3); c.1805G>T, p.Arg602Leu (NM_130834.3); c.1808G>T, p.Arg603Leu (NM_130835.3); and 1 more; short protein forms R460L, R461L, R548L, R566L, R584L, R585L, R602L, R603L.
Identifiers: ClinVar variation 2637531 (VCV002637531.2), dbSNP rs754022891, ClinGen allele CA355790725.

ClinVar aggregate classification (germline): Uncertain significance. Review status: criteria provided, multiple submitters, no conflicts (2 of 4 stars). 2 submissions from 2 submitters: Uncertain significance (2). Last evaluated 2026-04-06.

Conditions:
Inborn genetic diseases. Identifiers: MedGen C0950123, MeSH D030342.

gnomAD v4.1: 1 of 1,612,896 alleles (0.000062%); highest among the groups gnomAD compares: Non-Finnish European, 0.000085%; no homozygotes.

Submissions (2):

Ambry Genetics
Classification: Uncertain significance for Inborn genetic diseases. Last evaluated: 2026-04-06. Review status: criteria provided, single submitter. Criteria: Ambry Variant Classification Scheme 2023. Collection method: clinical testing. Allele origin: germline.

Women's Health and Genetics/Laboratory Corporation of America, LabCorp
Classification: Uncertain significance. Last evaluated: 2023-10-03. Review status: criteria provided, single submitter. Criteria: LabCorp Variant Classification Summary - May 2015. Collection method: clinical testing. Allele origin: germline.
Comment: Variant summary: OPA1 c.1751G>T (p.Arg584Leu) results in a non-conservative amino acid change in the encoded protein sequence. Three of five in-silico tools predict a damaging effect of the variant on protein function. The variant was absent in 251320 control chromosomes (gnomAD). The available data on variant occurrences in the general population are insufficient to allow any conclusion about variant significance. To our knowledge, no occurrence of c.1751G>T in individuals affected with OPA1-Related Disorders and no experimental evidence demonstrating its impact on protein function have been reported. No submitters have reported clinical-significance assessments for this variant to ClinVar after 2014. Based on the evidence outlined above, the variant was classified as uncertain significance.